The following is an entry in ClinVar:

NM_000257.4(MYH7):c.2899G>A (p.Glu967Lys)

Gene: MYH7 (myosin heavy chain 7; minus strand). Cytogenetic location: 14q11.2.
Variant type: single nucleotide variant.
Coding change: c.2899G>A on transcript NM_000257.4 (MANE Select); coding-DNA position 2899, G replaced by A.
Protein change: p.Glu967Lys; replaces glutamic acid 967 with lysine.
Molecular consequence: missense variant.
Genome position (GRCh38, 1-based): chr14:23,423,930, C>T on the plus strand (G>A on the coding strand, the complement: MYH7 is on the minus strand). VCF-style: chr14-23423930-C-T. GRCh37 (hg19) VCF-style: chr14-23893139-C-T.
Other names: short protein forms E967K.
Identifiers: ClinVar variation 164309 (VCV000164309.10), dbSNP rs727503250, ClinGen allele CA013177.

ClinVar aggregate classification (germline): Uncertain significance. Review status: criteria provided, multiple submitters, no conflicts (2 of 4 stars). 4 submissions from 4 submitters: Uncertain significance (4). Last evaluated 2026-03-17.

Conditions:
Cardiomyopathy (CMYO). Also called: Cardiomyopathies. Identifiers: Orphanet 167848, MedGen C0878544, MONDO:0004994, HP:0001638. Inheritance: Various modes of inheritance.
Hypertrophic cardiomyopathy. Also called: HYPERTROPHIC MYOCARDIOPATHY. Identifiers: Orphanet 217569, MedGen C0007194, MeSH D002312, MONDO:0005045, HP:0001639.

Allele frequency attached by ClinVar (database versions not stated): gnomAD 0.00001; gnomAD exomes 0.00001.
gnomAD v4.1: 4 of 1,614,046 alleles (0.00025%); highest among the groups gnomAD compares: African/African-American, 0.0013%; no homozygotes.

Submissions (4):

GeneDx
Classification: Uncertain significance. Last evaluated: 2026-03-17. Review status: criteria provided, single submitter. Criteria: GeneDx Variant Classification Process June 2021. Collection method: clinical testing. Allele origin: germline.
Comment: Not observed at significant frequency in large population cohorts (gnomAD); In silico analysis supports that this missense variant has a deleterious effect on protein structure/function; This variant is associated with the following publications: (PMID: 27535533, 27532257, 25611685, 37652022, Dutta2025[Computational])

Color Diagnostics, LLC DBA Color Health
Classification: Uncertain significance for Cardiomyopathy. Last evaluated: 2025-08-20. Review status: criteria provided, single submitter. Criteria: ACMG Guidelines, 2015. Collection method: clinical testing. Allele origin: germline.
Comment: This missense variant replaces glutamic acid with lysine at codon 967 of the MYH7 protein. Computational prediction suggests that this variant may have deleterious impact on protein structure and function. To our knowledge, functional studies have not been reported for this variant. This variant has not been reported in an individual affected with hypertrophic cardiomyopathy (PMID: 25611685, 27532257). This variant has not been identified in the general population by the Genome Aggregation Database (gnomAD). The available evidence is insufficient to determine the role of this variant in disease conclusively. Therefore, this variant is classified as a Variant of Uncertain Significance.

Labcorp Genetics (formerly Invitae), Labcorp
Classification: Uncertain significance for Hypertrophic cardiomyopathy. Last evaluated: 2023-08-14. Review status: criteria provided, single submitter. Criteria: Invitae Variant Classification Sherloc (09022015). Collection method: clinical testing. Allele origin: germline.
Comment: ClinVar contains an entry for this variant (Variation ID: 164309). Advanced modeling of protein sequence and biophysical properties (such as structural, functional, and spatial information, amino acid conservation, physicochemical variation, residue mobility, and thermodynamic stability) performed at Invitae indicates that this missense variant is expected to disrupt MYH7 protein function. In summary, the available evidence is currently insufficient to determine the role of this variant in disease. Therefore, it has been classified as a Variant of Uncertain Significance. This missense change has been observed in individual(s) with hypertrophic cardiomyopathy (PMID: 25611685). This variant is not present in population databases (gnomAD no frequency). This sequence change replaces glutamic acid, which is acidic and polar, with lysine, which is basic and polar, at codon 967 of the MYH7 protein (p.Glu967Lys).

Laboratory for Molecular Medicine, Mass General Brigham Personalized Medicine
Classification: Uncertain significance. Last evaluated: 2018-11-29. Review status: criteria provided, single submitter. Criteria: LMM Criteria. Collection method: clinical testing. Allele origin: germline. Observed: 3 variant alleles.
Comment: Variant classified as Uncertain Significance - Favor Pathogenic. The p.Glu967Lys variant in MYH7 has been identified by our laboratory in 1 individual with clin ical features of adult onset HCM and 1 individual with neonatal onset HCM (Alfar es 2015, Walsh 2017) and was absent from large population studies. Glutamic acid (Glu) at position 967 is highly conserved in mammals and across evolutionarily distant species and the change to lysine (Lys) was predicted to be pathogenic us ing a computational tool clinically validated by our laboratory. This tool's pat hogenic prediction is estimated to be correct 94% of the time (Jordan 2011). In summary while there is some suspicion for a pathogenic role, the clinical signi ficance of the p.Glu967Lys variant is uncertain. ACMG/AMP Criteria applied: PS4_ Supporting, PM2, PP3.

Literature cited by the submitters: PubMed 25611685 (cited by 3 submitters); PubMed 27532257 (cited by Color Diagnostics, LLC DBA Color Health and Laboratory for Molecular Medicine, Mass General Brigham Personalized Medicine).